The following is an entry in ClinVar:

NM_001267550.2(TTN):c.103939T>C (p.Tyr34647His)

Genes: TTN (titin; minus strand), TTN-AS1 (TTN antisense RNA 1; plus strand). Cytogenetic location: 2q31.2.
Variant type: single nucleotide variant.
Coding change: c.103939T>C on transcript NM_001267550.2 (MANE Select); coding-DNA position 103939, T replaced by C.
Protein change: p.Tyr34647His; replaces tyrosine 34647 with histidine.
Molecular consequence: missense variant.
Genome position (GRCh38, 1-based): chr2:178,532,676, A>G on the plus strand (T>C on the coding strand, the complement: TTN is on the minus strand). VCF-style: chr2-178532676-A-G. GRCh37 (hg19) VCF-style: chr2-179397403-A-G.
Other names: c.99016T>C, p.Tyr33006His (NM_001256850.1); c.76744T>C, p.Tyr25582His (NM_003319.4); c.96235T>C, p.Tyr32079His (NM_133378.4); c.77119T>C, p.Tyr25707His (NM_133432.3); c.77320T>C, p.Tyr25774His (NM_133437.4); short protein forms Y25582H, Y25707H, Y25774H, Y32079H, Y33006H, Y34647H.
Identifiers: ClinVar variation 1305444 (VCV001305444.12), dbSNP rs561869617, ClinGen allele CA1985521.

ClinVar aggregate classification (germline): Uncertain significance. Review status: criteria provided, multiple submitters, no conflicts (2 of 4 stars). 4 submissions from 4 submitters: Uncertain significance (4). Last evaluated 2025-11-13.

Conditions:
Cardiovascular phenotype. Identifiers: MedGen CN230736.
Autosomal recessive limb-girdle muscular dystrophy type 2J (LGMDR10). Also called: Limb-girdle muscular dystrophy, type 2J; MUSCULAR DYSTROPHY, LIMB-GIRDLE, AUTOSOMAL RECESSIVE 10. Identifiers: Orphanet 140922, MedGen C1837342, MONDO:0012127, OMIM 608807.
Dilated cardiomyopathy 1G (CMD1G). Identifiers: Orphanet 154, MedGen C1858763, MONDO:0011400, OMIM 604145.
Hypertrophic cardiomyopathy 9. Also called: Familial hypertrophic cardiomyopathy 9. Identifiers: MedGen C1861065, MONDO:0013412, OMIM 613765.
Early-onset myopathy with fatal cardiomyopathy (CMYO5). Also called: CONGENITAL MYOPATHY 5 WITH CARDIOMYOPATHY; Salih Myopathy. Identifiers: Orphanet 289377, MedGen C2673677, MONDO:0012714, OMIM 611705. Disease mechanism: loss of function.
Myopathy, myofibrillar, 9, with early respiratory failure (MFM9). Also called: Hereditary myopathy with early respiratory failure; EDSTROM MYOPATHY; MYOPATHY, PROXIMAL, WITH EARLY RESPIRATORY MUSCLE INVOLVEMENT; Myopathy, distal, with early respiratory failure, autosomal dominant. Identifiers: Orphanet 178464, Orphanet 34521, MedGen C1863599, MONDO:0011362, OMIM 603689.
Tibial muscular dystrophy (TMD). Also called: Udd Distal Myopathy – Tibial Muscular Dystrophy; UDD MYOPATHY; Tibial muscular dystrophy, tardive. Identifiers: Orphanet 609, MedGen C1838244, MONDO:0010870, OMIM 600334.

Allele frequency attached by ClinVar (database versions not stated): gnomAD exomes below 0.00001 and 0.00001; TOPMed 0.00001; ExAC 0.00002; gnomAD 0.00002 and 0.00003; 1000 Genomes Project 30x 0.00016; 1000 Genomes Project 0.00020.
gnomAD v4.1: 21 of 1,613,902 alleles (0.0013%); highest among the groups gnomAD compares: South Asian, 0.0033%; no homozygotes.

Submissions (4):

Labcorp Genetics (formerly Invitae), Labcorp
Classification: Uncertain significance for Dilated cardiomyopathy 1G; Autosomal recessive limb-girdle muscular dystrophy type 2J. Last evaluated: 2025-11-13. Review status: criteria provided, single submitter. Criteria: Invitae Variant Classification Sherloc (09022015). Collection method: clinical testing. Allele origin: germline.
Comment: This sequence change replaces tyrosine, which is neutral and polar, with histidine, which is basic and polar, at codon 34647 of the TTN protein (p.Tyr34647His). This variant is present in population databases (rs561869617, gnomAD 0.004%). This variant has not been reported in the literature in individuals affected with TTN-related conditions. ClinVar contains an entry for this variant (Variation ID: 1305444). Experimental studies and prediction algorithms are not available or were not evaluated, and the functional significance of this variant is currently unknown. This variant is located in the M band of TTN (PMID: 25589632). Non-truncating variants in this region may be relevant for neuromuscular disorders, but have not been definitively shown to cause cardiomyopathy (PMID: 23975875). In summary, the available evidence is currently insufficient to determine the role of this variant in disease. Therefore, it has been classified as a Variant of Uncertain Significance.

Fulgent Genetics
Classification: Uncertain significance for Tibial muscular dystrophy; Myopathy, myofibrillar, 9, with early respiratory failure; Dilated cardiomyopathy 1G; Autosomal recessive limb-girdle muscular dystrophy type 2J; Early-onset myopathy with fatal cardiomyopathy; Hypertrophic cardiomyopathy 9. Last evaluated: 2021-09-29. Review status: criteria provided, single submitter. Criteria: ACMG Guidelines, 2015. Collection method: clinical testing. Allele origin: unknown.

Ambry Genetics
Classification: Uncertain significance for Cardiovascular phenotype. Last evaluated: 2019-12-30. Review status: criteria provided, single submitter. Criteria: Ambry Variant Classification Scheme 2023. Collection method: clinical testing. Allele origin: germline.
Comment: The p.Y25582H variant (also known as c.76744T>C), located in coding exon 185 of the TTN gene, results from a T to C substitution at nucleotide position 76744. The tyrosine at codon 25582 is replaced by histidine, an amino acid with similar properties. This amino acid position is well conserved in available vertebrate species. In addition, this alteration is predicted to be tolerated by in silico analysis. Since supporting evidence is limited at this time, the clinical significance of this alteration remains unclear.

GeneDx
Classification: Uncertain significance. Last evaluated: 2019-02-08. Review status: criteria provided, single submitter. Criteria: GeneDx Variant Classification Process June 2021. Collection method: clinical testing. Allele origin: germline. Affected: yes.
Comment: Not observed at a significant frequency in large population cohorts (Lek et al., 2016; McVean et al., 2012; Exome Variant Server); Missense variant in a gene in which most reported pathogenic variants are truncating/loss-of-function; Has not been previously published as pathogenic or benign to our knowledge

Literature cited by the submitters: PubMed 25589632 (cited by Labcorp Genetics (formerly Invitae), Labcorp); PubMed 23975875 (cited by Labcorp Genetics (formerly Invitae), Labcorp).